The following is an entry in ClinVar:

ClinVar aggregate classification (germline): Benign/Likely benign. Review status: criteria provided, multiple submitters, no conflicts (2 of 4 stars). 5 submissions from 5 submitters: Benign (2); Likely benign (2). 1 of the submissions does not count toward it. Last evaluated 2026-01-24.

Conditions:
BICC1-related disorder. Also called: BICC1-related condition.

Allele frequency attached by ClinVar (database versions not stated): TOPMed 0.01162; gnomAD 0.01202 and 0.01298; ESP Exome Variant Server 0.01223; 1000 Genomes Project 30x 0.01452; gnomAD exomes 0.01496 and 0.01694; 1000 Genomes Project 0.01558; ExAC 0.01771.
gnomAD v4.1: 23,849 of 1,605,760 alleles (1.5%); highest among the groups gnomAD compares: South Asian, 2.9%; 245 homozygotes.

Submissions (5):

Labcorp Genetics (formerly Invitae), Labcorp
Classification: Benign. Last evaluated: 2026-01-24. Review status: criteria provided, single submitter. Criteria: Invitae Variant Classification Sherloc (09022015). Collection method: clinical testing. Allele origin: germline.

Mayo Clinic Laboratories, Mayo Clinic
Classification: Benign. Last evaluated: 2022-09-30. Review status: criteria provided, single submitter. Criteria: ACMG Guidelines, 2015. Collection method: clinical testing. Allele origin: germline. Observed: 5 variant alleles.
Comment: BS1, BS2, BP4, BP7

GeneDx
Classification: Likely benign. Last evaluated: 2021-06-16. Review status: criteria provided, single submitter. Criteria: GeneDx Variant Classification Process June 2021. Collection method: clinical testing. Allele origin: germline. Affected: yes.

Breakthrough Genomics
Classification: Likely benign. Review status: criteria provided, single submitter. Criteria: ACMG Guidelines, 2015. Collection method: not provided. Allele origin: germline. Inheritance: Autosomal dominant inheritance. Affected: yes.

PreventionGenetics, part of Exact Sciences
Classification: Benign for BICC1-related condition. Last evaluated: 2024-07-01. Review status: no assertion criteria provided. Collection method: clinical testing. Allele origin: germline. Not counted in ClinVar's aggregate classification.
Comment: This variant is classified as benign based on ACMG/AMP sequence variant interpretation guidelines (Richards et al. 2015 PMID: 25741868, with internal and published modifications).

NM_001080512.3(BICC1):c.1366+4T>C

Gene: BICC1 (BicC family RNA binding protein 1; plus strand). Cytogenetic location: 10q21.1.
Variant type: single nucleotide variant.
Coding change: c.1366+4T>C on transcript NM_001080512.3 (MANE Select); 4 bases into the intron after coding-DNA position 1366, T replaced by C.
Molecular consequence: intron variant.
Genome position (GRCh38, 1-based): chr10:58,796,530, T>C. VCF-style: chr10-58796530-T-C. GRCh37 (hg19) VCF-style: chr10-60556290-T-C.
Other names: p.?; c.1366+4T>C (NM_001080512.2).
Identifiers: ClinVar variation 1186376 (VCV001186376.13), dbSNP rs3740453, ClinGen allele CA5508474.